The following is an entry in ClinVar:

ClinVar aggregate classification (germline): Pathogenic. Review status: criteria provided, multiple submitters, no conflicts (2 of 4 stars). 5 submissions from 5 submitters: Pathogenic (5). Last evaluated 2026-06-10.

Conditions:
BCHE-related disorder. Also called: BCHE-related condition.
Deficiency of butyrylcholinesterase (BCHED). Also called: BCHE, silent 1; Acholinesterasemia; Deficiency of butyrylcholine esterase; Butyrylcholinesterase deficiency. Identifiers: Orphanet 132, MedGen C1283400, MONDO:0015270, OMIM 617936.

Submissions (5):

GeneDx
Classification: Pathogenic. Last evaluated: 2026-06-10. Review status: criteria provided, single submitter. Criteria: GeneDx Variant Classification Process June 2021. Collection method: clinical testing. Allele origin: germline.
Comment: Frameshift variant predicted to result in protein truncation or nonsense mediated decay in a gene for which loss of function is a known mechanism of disease; Also known as FS6; This variant is associated with the following publications: (PMID: 31589614, 34426522, 8554068)

PreventionGenetics, part of Exact Sciences
Classification: Pathogenic for BCHE-related condition. Last evaluated: 2025-08-29. Review status: criteria provided, single submitter. Criteria: ACMG Guidelines, 2015. Collection method: clinical testing. Allele origin: germline.
Comment: The BCHE c.100delA variant is predicted to result in a frameshift and premature protein termination (p.Ile34Leufs*11). This variant was reported in an individual with autosomal recessive butyrylcholinesterase deficiency (reported as BCHE*FS6 in Primo-Parmo et al. 1996. PubMed ID: 8554068). This variant is reported in 0.0085% of alleles in individuals of European (Non-Finnish) descent in gnomAD. Frameshift variants in BCHE are expected to be pathogenic. This variant is interpreted as pathogenic.

Revvity Omics, Revvity
Classification: Pathogenic for Deficiency of butyrylcholinesterase. Last evaluated: 2024-07-22. Review status: criteria provided, single submitter. Criteria: ACMG Guidelines, 2015. Collection method: clinical testing. Allele origin: germline.

Fulgent Genetics
Classification: Pathogenic for Deficiency of butyrylcholinesterase. Last evaluated: 2021-10-04. Review status: criteria provided, single submitter. Criteria: ACMG Guidelines, 2015. Collection method: clinical testing. Allele origin: unknown.

Eurofins Ntd Llc (ga)
Classification: Pathogenic. Last evaluated: 2017-10-25. Review status: criteria provided, single submitter. Criteria: EGL Classification Definitions 2015. Collection method: clinical testing. Allele origin: germline.

Literature cited by the submitters: PubMed 8554068 (cited by Eurofins Ntd Llc (ga)).

NM_000055.4(BCHE):c.100del (p.Ile34fs)

Gene: BCHE (butyrylcholinesterase; minus strand). Cytogenetic location: 3q26.1.
Variant type: Deletion.
Coding change: c.100del on transcript NM_000055.4 (MANE Select); coding-DNA position 100, one base deleted (A; older notation c.100delA).
Protein change: p.Ile34fs; shifts the reading frame from isoleucine 34.
Molecular consequence: frameshift variant. On other transcripts: non-coding transcript variant (1).
Genome position (GRCh38, 1-based): chr3:165,830,934, T deleted on the plus strand (A on the coding strand, the reverse complement: BCHE is on the minus strand); the first of 2 consecutive T bases (chr3:165,830,934-165,830,935); deleting either gives the same sequence. VCF-style (leftmost placement, unchanged base first): chr3-165830933-AT-A. GRCh37 (hg19) VCF-style: chr3-165548721-AT-A.
Other names: c.100delA (NM_000055.3); c.100del (NM_000055.2); short protein forms I34fs.
Identifiers: ClinVar variation 594478 (VCV000594478.14), dbSNP rs750309713, ClinGen allele CA2692568.
Genomic context (GRCh38, chr3:165,830,933, plus strand): 5'-GTTACCGTGCCACCAAAAACTGTCAAGTTCATCCCTCTGACTTTTCCATTCTTTGTTGCA[AT>A]TATGATGTCATCTTCAGTATGTGACTTCCCAATAAGCATGCAGAGCAAAAGAAACCAAAA-3'